The following is an entry in ClinVar:

ClinVar aggregate classification (germline): Uncertain significance. Review status: criteria provided, multiple submitters, no conflicts (2 of 4 stars). 5 submissions from 5 submitters: Uncertain significance (4). 1 of the submissions does not count toward it. Last evaluated 2025-01-03.

Conditions:
FIG4-related disorder. Also called: FIG4-related condition; FIG4-related disorders.
Inborn genetic diseases. Identifiers: MedGen C0950123, MeSH D030342.
Charcot-Marie-Tooth disease. Also called: Charcot-Marie-Tooth Neuropathy; Charcot-Marie-Tooth Hereditary Neuropathy. Identifiers: Orphanet 166, MedGen C0007959, MONDO:0015626.
Charcot-Marie-Tooth disease type 4. Also called: Charcot-Marie-Tooth disease, type IV; Charcot-Marie-Tooth, Type 4. Identifiers: Orphanet 64749, MedGen C4082197, MONDO:0018995.

Allele frequency attached by ClinVar (database versions not stated): gnomAD below 0.00001 and 0.00002; TOPMed below 0.00001; gnomAD exomes 0.00005 and 0.00012; ExAC 0.00012.
gnomAD v4.1: 87 of 1,613,752 alleles (0.0054%); highest among the groups gnomAD compares: South Asian, 0.068%; no homozygotes.

Submissions (5):

Ambry Genetics
Classification: Uncertain significance for Inborn genetic diseases. Last evaluated: 2025-01-03. Review status: criteria provided, single submitter. Criteria: Ambry Variant Classification Scheme 2023. Collection method: clinical testing. Allele origin: germline.

Revvity Omics, Revvity
Classification: Uncertain significance. Last evaluated: 2024-03-26. Review status: criteria provided, single submitter. Criteria: ACMG Guidelines, 2015. Collection method: clinical testing. Allele origin: germline.

Labcorp Genetics (formerly Invitae), Labcorp
Classification: Uncertain significance for Charcot-Marie-Tooth disease type 4. Last evaluated: 2022-07-25. Review status: criteria provided, single submitter. Criteria: Invitae Variant Classification Sherloc (09022015). Collection method: clinical testing. Allele origin: germline.
Comment: This sequence change replaces threonine, which is neutral and polar, with alanine, which is neutral and non-polar, at codon 627 of the FIG4 protein (p.Thr627Ala). This variant is present in population databases (rs762859144, gnomAD 0.09%). This variant has not been reported in the literature in individuals affected with FIG4-related conditions. ClinVar contains an entry for this variant (Variation ID: 407087). Algorithms developed to predict the effect of missense changes on protein structure and function (SIFT, PolyPhen-2, Align-GVGD) all suggest that this variant is likely to be tolerated. In summary, the available evidence is currently insufficient to determine the role of this variant in disease. Therefore, it has been classified as a Variant of Uncertain Significance.

Molecular Genetics Laboratory, London Health Sciences Centre
Classification: Uncertain significance for Charcot-Marie-Tooth disease. Review status: criteria provided, single submitter. Criteria: ACMG Guidelines, 2015. Collection method: clinical testing. Allele origin: germline. Affected: yes.

PreventionGenetics, part of Exact Sciences
Classification: Uncertain significance for FIG4-related condition. Last evaluated: 2024-04-25. Review status: no assertion criteria provided. Collection method: clinical testing. Allele origin: germline. Not counted in ClinVar's aggregate classification.
Comment: The FIG4 c.1879A>G variant is predicted to result in the amino acid substitution p.Thr627Ala. To our knowledge, this variant has not been reported in the literature. This variant is reported in 0.082% of alleles in individuals of South Asian descent in gnomAD. Although we suspect that this variant may be benign, at this time, the clinical significance of this variant is uncertain due to the absence of conclusive functional and genetic evidence.

NM_014845.6(FIG4):c.1879A>G (p.Thr627Ala)

Gene: FIG4 (FIG4 phosphoinositide 5-phosphatase; plus strand). Cytogenetic location: 6q21.
Variant type: single nucleotide variant.
Coding change: c.1879A>G on transcript NM_014845.6 (MANE Select); coding-DNA position 1879, A replaced by G.
Protein change: p.Thr627Ala; replaces threonine 627 with alanine.
Molecular consequence: missense variant.
Genome position (GRCh38, 1-based): chr6:109,777,050, A>G. VCF-style: chr6-109777050-A-G. GRCh37 (hg19) VCF-style: chr6-110098253-A-G.
Other names: short protein forms T627A.
Identifiers: ClinVar variation 407087 (VCV000407087.10), dbSNP rs762859144, ClinGen allele CA3956197.